The following is an entry in ClinVar:

NM_015909.4(NBAS):c.6317G>T (p.Arg2106Leu)

Gene: NBAS (NBAS subunit of NRZ tethering complex; minus strand). Cytogenetic location: 2p24.3.
Variant type: single nucleotide variant.
Coding change: c.6317G>T on transcript NM_015909.4 (MANE Select); coding-DNA position 6317, G replaced by T.
Protein change: p.Arg2106Leu; replaces arginine 2106 with leucine.
Molecular consequence: missense variant.
Genome position (GRCh38, 1-based): chr2:15,218,888, C>A on the plus strand (G>T on the coding strand, the complement: NBAS is on the minus strand). VCF-style: chr2-15218888-C-A. GRCh37 (hg19) VCF-style: chr2-15359012-C-A.
Other names: short protein forms R2106L.
Identifiers: ClinVar variation 3606265 (VCV003606265.2).

ClinVar aggregate classification (germline): Uncertain significance (1 of 4 stars; one submission).

gnomAD v4.1: 12 of 1,614,132 alleles (0.00074%); highest among the groups gnomAD compares: Middle Eastern, 0.016%; no homozygotes.

Submission:

Labcorp Genetics (formerly Invitae), Labcorp
Classification: Uncertain significance. Last evaluated: 2024-08-11. Review status: criteria provided, single submitter. Criteria: Invitae Variant Classification Sherloc (09022015). Collection method: clinical testing. Allele origin: germline.
Comment: This sequence change replaces arginine, which is basic and polar, with leucine, which is neutral and non-polar, at codon 2106 of the NBAS protein (p.Arg2106Leu). This variant is present in population databases (rs775551690, gnomAD 0.01%). This variant has not been reported in the literature in individuals affected with NBAS-related conditions. Advanced modeling of protein sequence and biophysical properties (such as structural, functional, and spatial information, amino acid conservation, physicochemical variation, residue mobility, and thermodynamic stability) performed at Invitae indicates that this missense variant is not expected to disrupt NBAS protein function with a negative predictive value of 80%. In summary, the available evidence is currently insufficient to determine the role of this variant in disease. Therefore, it has been classified as a Variant of Uncertain Significance.